The following is an entry in ClinVar:

ClinVar aggregate classification (germline): Benign/Likely benign. Review status: criteria provided, multiple submitters, no conflicts (2 of 4 stars). 6 submissions from 6 submitters: Benign (5); Likely benign (1). Last evaluated 2026-05-11.

Conditions:
Achondrogenesis, type IA (ACG1A). Identifiers: Orphanet 932, Orphanet 93299, MedGen C0265273, MONDO:0008701, OMIM 200600.
Connective tissue disorder. Also called: Connective tissue disease. Identifiers: MedGen C0009782, MONDO:0003900.

Allele frequency attached by ClinVar (database versions not stated): gnomAD exomes 0.00558 and 0.00243; 1000 Genomes Project 0.01538; gnomAD 0.00816 and 0.00840; 1000 Genomes Project 30x 0.01452; TOPMed 0.00866; ESP Exome Variant Server 0.00931; ExAC 0.00663.
gnomAD v4.1: 4,962 of 1,613,466 alleles (0.31%); highest among the groups gnomAD compares: African/African-American, 2.6%; 86 homozygotes.

Submissions (6):

Women's Health and Genetics/Laboratory Corporation of America, LabCorp
Classification: Likely benign. Last evaluated: 2026-05-11. Review status: criteria provided, single submitter. Criteria: LabCorp Variant Classification Summary - May 2015. Collection method: clinical testing. Allele origin: germline.

Labcorp Genetics (formerly Invitae), Labcorp
Classification: Benign for Achondrogenesis, type IA. Last evaluated: 2026-01-17. Review status: criteria provided, single submitter. Criteria: Invitae Variant Classification Sherloc (09022015). Collection method: clinical testing. Allele origin: germline.

ARUP Laboratories, Molecular Genetics and Genomics, ARUP Laboratories
Classification: Benign. Last evaluated: 2025-04-10. Review status: criteria provided, single submitter. Criteria: ARUP Molecular Germline Variant Investigation Process 2024. Collection method: clinical testing. Allele origin: germline.

Genome Diagnostics Laboratory, The Hospital for Sick Children
Classification: Benign for Connective tissue disorder. Last evaluated: 2021-12-20. Review status: criteria provided, single submitter. Criteria: ACMG Guidelines, 2015. Collection method: clinical testing. Allele origin: germline.

GeneDx
Classification: Benign. Last evaluated: 2017-09-26. Review status: criteria provided, single submitter. Criteria: GeneDx Variant Classification (06012015). Collection method: clinical testing. Allele origin: germline. Affected: yes.
Comment: This variant is considered likely benign or benign based on one or more of the following criteria: it is a conservative change, it occurs at a poorly conserved position in the protein, it is predicted to be benign by multiple in silico algorithms, and/or has population frequency not consistent with disease.

Breakthrough Genomics
Classification: Benign. Review status: criteria provided, single submitter. Criteria: ACMG Guidelines, 2015. Collection method: not provided. Allele origin: germline. Inheritance: Autosomal recessive inheritance. Affected: yes.

NM_004239.4(TRIP11):c.1517A>C (p.Glu506Ala)

Gene: TRIP11 (thyroid hormone receptor interactor 11; minus strand). Cytogenetic location: 14q32.12.
Variant type: single nucleotide variant.
Coding change: c.1517A>C on transcript NM_004239.4 (MANE Select); coding-DNA position 1517, A replaced by C.
Protein change: p.Glu506Ala; replaces glutamic acid 506 with alanine.
Molecular consequence: missense variant.
Genome position (GRCh38, 1-based): chr14:92,007,650, T>G on the plus strand (A>C on the coding strand, the complement: TRIP11 is on the minus strand). VCF-style: chr14-92007650-T-G. GRCh37 (hg19) VCF-style: chr14-92473994-T-G.
Other names: c.1514A>C, p.Glu505Ala (NM_001321851.1); short protein forms E506A, E505A.
Identifiers: ClinVar variation 440354 (VCV000440354.28), dbSNP rs2273186, ClinGen allele CA7313926.